The following is an entry in ClinVar:

ClinVar aggregate classification (germline): Benign/Likely benign. Review status: criteria provided, multiple submitters, no conflicts (2 of 4 stars). 10 submissions from 10 submitters: Benign (2); Likely benign (5). 3 of the submissions do not count toward it. Last evaluated 2026-07-02.

Conditions:
RNF43-related disorder. Also called: RNF43-related condition.
Hyperplastic polyposis syndrome. Identifiers: Orphanet 157798, MedGen C4296896, MONDO:0015524.
Sessile serrated polyposis cancer syndrome (SSPCS). Identifiers: Orphanet 157798, MedGen C4310714, MONDO:0014919, OMIM 617108.

Allele frequency attached by ClinVar (database versions not stated): ExAC 0.00035; gnomAD 0.00031 and 0.00023; 1000 Genomes Project 0.00060; gnomAD exomes 0.00066 and 0.00038; 1000 Genomes Project 30x 0.00047; TOPMed 0.00021; ESP Exome Variant Server 0.00023.
gnomAD v4.1: 980 of 1,611,506 alleles (0.061%); highest among the groups gnomAD compares: East Asian, 0.69%; 7 homozygotes.

Submissions (10):

Myriad Genetics, Inc.
Classification: Benign for Sessile serrated polyposis cancer syndrome. Last evaluated: 2026-07-02. Review status: criteria provided, single submitter. Criteria: Myriad Autosomal Dominant, Autosomal Recessive and X-Linked Classification Criteria (2023). Collection method: clinical testing. Allele origin: unknown.
Comment: This variant is considered benign. This variant is a silent/synonymous amino acid change and it is not expected to impact splicing.

Labcorp Genetics (formerly Invitae), Labcorp
Classification: Benign. Last evaluated: 2026-02-01. Review status: criteria provided, single submitter. Criteria: Invitae Variant Classification Sherloc (09022015). Collection method: clinical testing. Allele origin: germline.

CeGaT Center for Human Genetics Tuebingen
Classification: Likely benign. Last evaluated: 2026-01-01. Review status: criteria provided, single submitter. Criteria: CeGaT Center For Human Genetics Tuebingen Variant Classification Criteria Version 2. Collection method: clinical testing. Allele origin: germline. Affected: yes. Observed: 2 variant alleles.
Comment: RNF43: BP4, BP7

Mayo Clinic Laboratories, Mayo Clinic
Classification: Likely benign. Last evaluated: 2025-08-21. Review status: criteria provided, single submitter. Criteria: ACMG Guidelines, 2015. Collection method: clinical testing. Allele origin: germline. Observed: 3 variant alleles.
Comment: BP4, BP7

Center for Genomic Medicine, Rigshospitalet, Copenhagen University Hospital
Classification: Likely benign. Last evaluated: 2025-03-04. Review status: criteria provided, single submitter. Criteria: ACMG Guidelines, 2015. Collection method: clinical testing. Allele origin: germline.

Ambry Genetics
Classification: Likely benign. Last evaluated: 2024-08-21. Review status: criteria provided, single submitter. Criteria: Ambry Variant Classification Scheme 2023. Collection method: clinical testing. Allele origin: germline.

Department of Pathology and Laboratory Medicine, Sinai Health System
Classification: Likely benign for Hyperplastic polyposis syndrome. Last evaluated: 2023-09-21. Review status: criteria provided, single submitter. Criteria: ACMG Guidelines, 2015. Collection method: clinical testing. Allele origin: germline. Affected: yes.

PreventionGenetics, part of Exact Sciences
Classification: Likely benign for RNF43-related condition. Last evaluated: 2019-08-26. Review status: no assertion criteria provided. Collection method: clinical testing. Allele origin: germline. Not counted in ClinVar's aggregate classification.
Comment: This variant is classified as likely benign based on ACMG/AMP sequence variant interpretation guidelines (Richards et al. 2015 PMID: 25741868, with internal and published modifications).

Clinical Genetics DNA and cytogenetics Diagnostics Lab, Erasmus MC, Erasmus Medical Center
Classification: Likely benign. Review status: no assertion criteria provided. Collection method: clinical testing. Allele origin: germline. Affected: yes. Study: VKGL Data-share Consensus. Not counted in ClinVar's aggregate classification.

Clinical Genetics, Academic Medical Center
Classification: Likely benign. Review status: no assertion criteria provided. Collection method: clinical testing. Allele origin: germline. Affected: yes. Study: VKGL Data-share Consensus. Not counted in ClinVar's aggregate classification.

NM_017763.6(RNF43):c.1821G>A (p.Ser607=)

Gene: RNF43 (ring finger protein 43; minus strand). Cytogenetic location: 17q22.
Variant type: single nucleotide variant.
Coding change: c.1821G>A on transcript NM_017763.6 (MANE Select); coding-DNA position 1821, G replaced by A.
Protein change: p.Ser607=; no amino-acid change (serine 607 retained).
Molecular consequence: synonymous variant.
Genome position (GRCh38, 1-based): chr17:58,357,955, C>T on the plus strand (G>A on the coding strand, the complement: RNF43 is on the minus strand). VCF-style: chr17-58357955-C-T. GRCh37 (hg19) VCF-style: chr17-56435316-C-T.
Other names: p.Ser607=; c.1821G>A, p.Ser607= (NM_001305544.3); c.1440G>A, p.Ser480= (NM_001305545.2); c.1821G>A (NM_017763.4).
Identifiers: ClinVar variation 1168015 (VCV001168015.22), dbSNP rs200680078, ClinGen allele CA8673107.